The following is an entry in ClinVar:

NM_201253.3(CRB1):c.2419C>T (p.Leu807=)

Gene: CRB1 (crumbs cell polarity complex component 1; plus strand). Cytogenetic location: 1q31.3.
Variant type: single nucleotide variant.
Coding change: c.2419C>T on transcript NM_201253.3 (MANE Select); coding-DNA position 2419, C replaced by T.
Protein change: p.Leu807=; no amino-acid change (leucine 807 retained).
Molecular consequence: synonymous variant. On other transcripts: non-coding transcript variant (2), intron variant (1).
Genome position (GRCh38, 1-based): chr1:197,427,744, C>T. VCF-style: chr1-197427744-C-T. GRCh37 (hg19) VCF-style: chr1-197396874-C-T.
Other names: c.2083C>T, p.Leu695= (NM_001193640.2); c.2212C>T, p.Leu738= (NM_001257965.2); c.2128+5788C>T (NM_001257966.2).
Identifiers: ClinVar variation 294679 (VCV000294679.17), dbSNP rs371089348, ClinGen allele CA1312121.

ClinVar aggregate classification (germline): Conflicting classifications of pathogenicity. Review status: criteria provided, conflicting classifications (1 of 4 stars). 6 submissions from 4 submitters: Uncertain significance (3); Likely benign (3). Last evaluated 2025-10-27.

Conditions:
Retinitis pigmentosa 12 (RP12). Also called: RP WITH OR WITHOUT PRESERVED PARAARTERIOLE RETINAL PIGMENT EPITHELIUM; RETINITIS PIGMENTOSA WITH OR WITHOUT PARAARTERIOLAR PRESERVATION OF RETINAL PIGMENT EPITHELIUM; RP WITH OR WITHOUT PPRPE. Identifiers: Orphanet 791, MedGen C1838647, MONDO:0010818, OMIM 600105.
Leber congenital amaurosis 8 (LCA8). Identifiers: Orphanet 65, MedGen C3151202, MONDO:0013453, OMIM 613835.
Pigmented paravenous retinochoroidal atrophy. Identifiers: Orphanet 251295, MedGen C1868310, MONDO:0008246, OMIM 172870.
Retinitis pigmentosa (RP). Identifiers: Orphanet 791, MedGen C0035334, MeSH D012174, MONDO:0019200, OMIM 268000. Inheritance: Autosomal dominant, autosomal recessive and X linked inheritance.
CRB1-related disorder. Also called: CRB1-related condition; CRB1-related disorders.

Allele frequency attached by ClinVar (database versions not stated): gnomAD exomes 0.00002 and 0.00003; ExAC 0.00003; gnomAD 0.00003 and 0.00004; TOPMed 0.00003; ESP Exome Variant Server 0.00008.

Submissions (6):

Labcorp Genetics (formerly Invitae), Labcorp
Classification: Likely benign for Leber congenital amaurosis 8; Retinitis pigmentosa 12. Last evaluated: 2025-10-27. Review status: criteria provided, single submitter. Criteria: Invitae Variant Classification Sherloc (09022015). Collection method: clinical testing. Allele origin: germline.

PreventionGenetics, part of Exact Sciences
Classification: Likely benign for CRB1-related condition. Last evaluated: 2025-04-14. Review status: criteria provided, single submitter. Criteria: ACMG Guidelines, 2015. Collection method: clinical testing. Allele origin: germline.
Comment: This variant is classified as likely benign based on ACMG/AMP sequence variant interpretation guidelines (Richards et al. 2015 PMID: 25741868, with internal and published modifications).

Blueprint Genetics
Classification: Likely benign. Last evaluated: 2024-10-09. Review status: criteria provided, single submitter. Criteria: ACMG Guidelines, 2015. Collection method: clinical testing. Allele origin: germline.

Illumina Laboratory Services, Illumina
Classification: Uncertain significance for Leber congenital amaurosis 8. Last evaluated: 2018-01-13. Review status: criteria provided, single submitter. Criteria: ICSL Variant Classification Criteria 13 December 2019. Collection method: clinical testing. Allele origin: germline.

Illumina Laboratory Services, Illumina
Classification: Uncertain significance for Pigmented paravenous retinochoroidal atrophy. Last evaluated: 2018-01-13. Review status: criteria provided, single submitter. Criteria: ICSL Variant Classification Criteria 13 December 2019. Collection method: clinical testing. Allele origin: germline.

Illumina Laboratory Services, Illumina
Classification: Uncertain significance for Retinitis pigmentosa. Last evaluated: 2018-01-13. Review status: criteria provided, single submitter. Criteria: ICSL Variant Classification Criteria 13 December 2019. Collection method: clinical testing. Allele origin: germline.